The following is an entry in ClinVar:

ClinVar aggregate classification (germline): Pathogenic (1 of 4 stars; one submission).

Conditions:
Tremor, hereditary essential, 4 (ETM4). Identifiers: MedGen C3539195, MONDO:0013888, OMIM 614782.
Amyotrophic lateral sclerosis type 6. Also called: Amyotrophic lateral sclerosis 6, with or without frontotemporal dementia; FUS-Related Amyotrophic Laterial Sclerosis; AMYOTROPHIC LATERAL SCLEROSIS 6 WITHOUT FRONTOTEMPORAL DEMENTIA. Identifiers: Orphanet 275872, Orphanet 803, MedGen C2931786, MONDO:0011951, OMIM 608030.

Submission:

Labcorp Genetics (formerly Invitae), Labcorp
Classification: Pathogenic for Tremor, hereditary essential, 4; Amyotrophic lateral sclerosis type 6. Last evaluated: 2018-12-14. Review status: criteria provided, single submitter. Criteria: Invitae Variant Classification Sherloc (09022015). Collection method: clinical testing. Allele origin: germline.
Comment: For these reasons, this variant has been classified as Pathogenic. This variant results in an extension of the FUS protein. Other variant(s) that result in a similarly extended protein product (p.Gln519Ilefs*9) have been determined to be pathogenic (PMID: 20668261, 26788680, 28429524). This suggests that these extensions are likely to be causative of disease. This sequence change results in a frameshift in the FUS gene (p.Gly504Glufs*26). While this is not anticipated to result in nonsense mediated decay, it is expected to disrupt the last 22 amino acids of the FUS protein and extend the protein by an additional 4 amino acids. This variant is not present in population databases (ExAC no frequency). This variant has not been reported in the literature in individuals with FUS-related disease. Algorithms developed to predict the effect of sequence changes on RNA splicing suggest that this variant may create or strengthen a splice site, but this prediction has not been confirmed by published transcriptional studies.

Literature cited by the submitters: PubMed 20668261; PubMed 26788680; PubMed 28429524.

NM_004960.4(FUS):c.1509_1510dup (p.Gly504fs)

Gene: FUS (FUS RNA binding protein; plus strand). Cytogenetic location: 16p11.2.
Variant type: Microsatellite.
Coding change: c.1509_1510dup on transcript NM_004960.4 (MANE Select); coding-DNA positions 1509 to 1510, 2 bases duplicated (AG; older notation c.1509_1510dupAG).
Protein change: p.Gly504fs; shifts the reading frame from glycine 504.
Molecular consequence: frameshift variant. On other transcripts: non-coding transcript variant (1).
Genome position (GRCh38, 1-based): chr16:31,191,078-31,191,079, AG duplicated; duplicating any 2 consecutive bases within chr16:31,191,076-31,191,079 gives the same sequence; the c. name uses the placement nearest the transcript's 3' end. VCF-style (leftmost placement, unchanged base first): chr16-31191075-C-CAG. GRCh37 (hg19) VCF-style: chr16-31202396-C-CAG.
Other names: c.1506_1507dup, p.Gly503fs (NM_001170634.1); c.1497_1498dup, p.Gly500fs (NM_001170937.1); c.1509_1510dupAG (NM_004960.3); short protein forms G500fs, G503fs, G504fs.
Identifiers: ClinVar variation 665141 (VCV000665141.9), dbSNP rs1596912983, ClinGen allele CA915949253.